The following is an entry in ClinVar:

ClinVar aggregate classification (germline): Uncertain significance (1 of 4 stars; one submission).

Submission:

Women's Health and Genetics/Laboratory Corporation of America, LabCorp
Classification: Uncertain significance. Last evaluated: 2024-07-30. Review status: criteria provided, single submitter. Criteria: LabCorp Variant Classification Summary - May 2015. Collection method: clinical testing. Allele origin: germline.
Comment: Variant summary: F5 c.746C>T (p.Ala249Val), also referred to in the literature as p.Ala221Val and Factor V New Brunswick, results in a non-conservative amino acid change in the encoded protein sequence. Five of five in-silico tools predict a damaging effect of the variant on protein function. The variant was absent in 250814 control chromosomes. c.746C>T has been reported in the literature in two siblings affected with Factor V Deficiency (Murray_1995). These data indicate that the variant may be associated with disease. At least two publications report experimental evidence evaluating an impact on protein function. In one study, purified Factor V from an affected individual was found to be activated by thrombin similar to normal Factor V, but the specific activity of the purified Factor V was approximately 20% of normal (Murray_1995). In contrast, results from a subsequent study which examined the recombinantly expressed variant in vitro did not demonstrate any damaging effect of the variant on activity, but did find the thrombin-activated form was significantly less stable than the WT protein, with approximately half of its initial cofactor activity lost after 3 hours (Steen_2003). The following publications have been ascertained in the context of this evaluation (PMID: 7655011, 12714495). No submitters have cited clinical-significance assessments for this variant to ClinVar. Based on the evidence outlined above, the variant was classified as VUS-possibly pathogenic.

Literature cited by the submitters: PubMed 7655011; PubMed 12714495.

NM_000130.5(F5):c.746C>T (p.Ala249Val)

Gene: F5 (coagulation factor V; minus strand). Cytogenetic location: 1q24.2.
Variant type: single nucleotide variant.
Coding change: c.746C>T on transcript NM_000130.5 (MANE Select); coding-DNA position 746, C replaced by T.
Protein change: p.Ala249Val; replaces alanine 249 with valine.
Molecular consequence: missense variant.
Genome position (GRCh38, 1-based): chr1:169,556,852, G>A on the plus strand (C>T on the coding strand, the complement: F5 is on the minus strand). VCF-style: chr1-169556852-G-A. GRCh37 (hg19) VCF-style: chr1-169526090-G-A.
Other names: short protein forms A249V.
Identifiers: ClinVar variation 3339076 (VCV003339076.1).
Genomic context (GRCh38, chr1:169,556,852, plus strand): 5'-ATGGAGAATAATTCTGGCCCCGAGCTCATTCCCAGCAGATGCCAGCTGATGTGGTCATGG[G>A]CACAAACTGTTATATCTGAGAAAGAGGGAGAGACACAGGCCAAAATAAGCATTCAGTCAA-3'
Protein context (NP_000121.2, residues 239-259): NGTMPDITVC[Ala249Val]HDHISWHLLG